The following is an entry in ClinVar:

NM_001197104.2(KMT2A):c.11212T>C (p.Ser3738Pro)

Genes: KMT2A (lysine methyltransferase 2A; plus strand), TTC36-AS1 (TTC36 and KMT2A antisense RNA 1; minus strand). Cytogenetic location: 11q23.3.
Variant type: single nucleotide variant.
Coding change: c.11212T>C on transcript NM_001197104.2 (MANE Select); coding-DNA position 11212, T replaced by C.
Protein change: p.Ser3738Pro; replaces serine 3738 with proline.
Molecular consequence: missense variant. On other transcripts: non-coding transcript variant (4).
Genome position (GRCh38, 1-based): chr11:118,519,683, T>C. VCF-style: chr11-118519683-T-C. GRCh37 (hg19) VCF-style: chr11-118390398-T-C.
Other names: c.11302T>C, p.Ser3768Pro (NM_001412597.1); c.11203T>C, p.Ser3735Pro (NM_005933.4); short protein forms S3738P, S3768P, S3735P.
Identifiers: ClinVar variation 2052516 (VCV002052516.4), dbSNP rs1555052828, ClinGen allele CA382832508.

ClinVar aggregate classification (germline): Uncertain significance (1 of 4 stars; one submission).

Submission:

Labcorp Genetics (formerly Invitae), Labcorp
Classification: Uncertain significance. Last evaluated: 2022-08-31. Review status: criteria provided, single submitter. Criteria: Invitae Variant Classification Sherloc (09022015). Collection method: clinical testing. Allele origin: germline.
Comment: In summary, the available evidence is currently insufficient to determine the role of this variant in disease. Therefore, it has been classified as a Variant of Uncertain Significance. Advanced modeling of protein sequence and biophysical properties (such as structural, functional, and spatial information, amino acid conservation, physicochemical variation, residue mobility, and thermodynamic stability) performed at Invitae indicates that this missense variant is not expected to disrupt KMT2A protein function. This variant has not been reported in the literature in individuals affected with KMT2A-related conditions. This variant is not present in population databases (gnomAD no frequency). This sequence change replaces serine, which is neutral and polar, with proline, which is neutral and non-polar, at codon 3738 of the KMT2A protein (p.Ser3738Pro).